The following is an entry in ClinVar:

NM_022726.4(ELOVL4):c.670-24_690delinsACTATTTAATCTGTTTAGTTGTTTACTATTCAGACA

Gene: ELOVL4 (ELOVL fatty acid elongase 4; minus strand). Cytogenetic location: 6q14.1.
Variant type: Indel.
Coding change: c.670-24_690delinsACTATTTAATCTGTTTAGTTGTTTACTATTCAGACA on transcript NM_022726.4 (MANE Select); 24 bases into the intron before coding-DNA position 670 through coding-DNA position 690, the reference bases replaced by an inserted sequence.
Molecular consequence: splice acceptor variant.
Genome position (GRCh38, 1-based): chr6:79,916,863-79,916,907, 45 bases replaced. GRCh37 (hg19): chr6:80,626,580-80,626,624.
Identifiers: ClinVar variation 2812707 (VCV002812707.4), dbSNP rs2532967975, ClinGen allele CA2739273245.

ClinVar aggregate classification (germline): Conflicting classifications of pathogenicity. Review status: criteria provided, conflicting classifications (1 of 4 stars). 2 submissions from 2 submitters: Likely pathogenic (1); Uncertain significance (1). Last evaluated 2023-11-24.

Conditions:
Stargardt disease 3. Also called: MACULAR DYSTROPHY WITH FLECKS, TYPE 3; STARGARDT-LIKE MACULAR DYSTROPHY, AUTOSOMAL DOMINANT. Identifiers: Orphanet 827, MedGen C1838644, MONDO:0010819, OMIM 600110.

Submissions (2):

3billion
Classification: Likely pathogenic for Stargardt disease 3. Last evaluated: 2023-11-24. Review status: criteria provided, single submitter. Criteria: ACMG Guidelines, 2015. Collection method: clinical testing. Allele origin: germline. Affected: yes.
Comment: The variant is not observed in the gnomAD v2.1.1 dataset. Predicted Consequence/Location: Frameshift - predicted to result in a loss or disruption of normal protein function through protein truncation. The predicted truncated protein may be shortened by more than 10%. Therefore, the variant is classified as likely pathogenic according to the recommendation of ACMG/AMP guideline.

Labcorp Genetics (formerly Invitae), Labcorp
Classification: Uncertain significance. Last evaluated: 2022-11-07. Review status: criteria provided, single submitter. Criteria: Invitae Variant Classification Sherloc (09022015). Collection method: clinical testing. Allele origin: germline.
Comment: In summary, the available evidence is currently insufficient to determine the role of this variant in disease. Therefore, it has been classified as a Variant of Uncertain Significance. Variants that disrupt the consensus splice site are a relatively common cause of aberrant splicing (PMID: 17576681, 9536098). This variant has not been reported in the literature in individuals affected with ELOVL4-related conditions. This variant is not present in population databases (gnomAD no frequency). This variant results in the deletion of part of exon 6 (c.670-24_690delins36) of the ELOVL4 gene. While this variant is not anticipated to result in nonsense mediated decay, it likely alters RNA splicing and results in a disrupted protein product.

Literature cited by the submitters: PubMed 17576681 (cited by Labcorp Genetics (formerly Invitae), Labcorp); PubMed 9536098 (cited by Labcorp Genetics (formerly Invitae), Labcorp).